The following is an entry in ClinVar:

NM_001039141.3(TRIOBP):c.6127C>G (p.Arg2043Gly)

Gene: TRIOBP (TRIO and F-actin binding protein; plus strand). Cytogenetic location: 22q13.1.
Variant type: single nucleotide variant.
Coding change: c.6127C>G on transcript NM_001039141.3 (MANE Select); coding-DNA position 6127, C replaced by G.
Protein change: p.Arg2043Gly; replaces arginine 2043 with glycine.
Molecular consequence: missense variant.
Genome position (GRCh38, 1-based): chr22:37,758,052, C>G. VCF-style: chr22-37758052-C-G. GRCh37 (hg19) VCF-style: chr22-38154059-C-G.
Other names: c.988C>G, p.Arg330Gly (NM_007032.5, NM_138632.2); short protein forms R2043G, R330G.
Identifiers: ClinVar variation 1254872 (VCV001254872.4), dbSNP rs137980797, ClinGen allele CA10224880.
Genomic context (GRCh38, chr22:37,758,052, plus strand): 5'-AGTGAGGAGATCGAGAAGAAGTGGCAGGAGCTGGAGAAGCTGCCCCTGCGGGAGAATAAG[C>G]GGGTGCCCCTCACTGCCCTGCTCAACCAAAGCCGCGGAGAGCGCCGAGGGCCCCCAAGTG-3'
Protein context (NP_001034230.1, residues 2033-2053): LEKLPLRENK[Arg2043Gly]VPLTALLNQS

ClinVar aggregate classification (germline): Uncertain significance. Review status: criteria provided, multiple submitters, no conflicts (2 of 4 stars). 3 submissions from 3 submitters: Uncertain significance (3). Last evaluated 2024-06-26.

Conditions:
Inborn genetic diseases. Identifiers: MedGen C0950123, MeSH D030342.

Allele frequency attached by ClinVar (database versions not stated): ESP Exome Variant Server 0.00008.
gnomAD v4.1: 328 of 1,611,860 alleles (0.02%); highest among the groups gnomAD compares: Non-Finnish European, 0.025%; no homozygotes.

Submissions (3):

Blueprint Genetics
Classification: Uncertain significance. Last evaluated: 2024-06-26. Review status: criteria provided, single submitter. Criteria: ACMG Guidelines, 2015. Collection method: clinical testing. Allele origin: germline.

GeneDx
Classification: Uncertain significance. Last evaluated: 2021-09-03. Review status: criteria provided, single submitter. Criteria: GeneDx Variant Classification Process June 2021. Collection method: clinical testing. Allele origin: germline. Affected: yes.
Comment: In silico analysis supports that this missense variant has a deleterious effect on protein structure/function; Has not been previously published as pathogenic or benign to our knowledge

Ambry Genetics
Classification: Uncertain significance for Inborn genetic diseases. Last evaluated: 2021-08-13. Review status: criteria provided, single submitter. Criteria: Ambry Variant Classification Scheme 2023. Collection method: clinical testing. Allele origin: germline.